The following is an entry in ClinVar:

NM_001033044.4(GLUL):c.350G>C (p.Cys117Ser)

Genes: GLUL (glutamate-ammonia ligase; minus strand), LOC126805944 (CDK7 strongly-dependent group 2 enhancer GRCh37_chr1:182354799-182355998; plus strand). Cytogenetic location: 1q25.3.
Variant type: single nucleotide variant.
Coding change: c.350G>C on transcript NM_001033044.4 (MANE Select); coding-DNA position 350, G replaced by C.
Protein change: p.Cys117Ser; replaces cysteine 117 with serine.
Molecular consequence: missense variant.
Genome position (GRCh38, 1-based): chr1:182,386,381, C>G on the plus strand (G>C on the coding strand, the complement: GLUL is on the minus strand). VCF-style: chr1-182386381-C-G. GRCh37 (hg19) VCF-style: chr1-182355516-C-G.
Other names: c.350G>C, p.Cys117Ser (NM_001033056.4, NM_002065.7); short protein forms C117S.
Identifiers: ClinVar variation 5017695 (VCV005017695.1).
Genomic context (GRCh38, chr1:182,386,381, plus strand): 5'-TACTCCTGCTCCATGCCAAACCAGGGGTGCTGGTTGCTCACCATGTCCATTATCCGTTTA[C>G]AGGTGTGCCTCAAATTGGTCTCTAGAAAAAAGAGTCAATAATACGCCATCAGGGATCTAA-3'
Protein context (NP_001028216.1, residues 107-127): RPAETNLRHT[Cys117Ser]KRIMDMVSNQ

ClinVar aggregate classification (germline): Uncertain significance (1 of 4 stars; one submission).

Submission:

GeneDx
Classification: Uncertain significance. Last evaluated: 2026-03-29. Review status: criteria provided, single submitter. Criteria: GeneDx Variant Classification Process June 2021. Collection method: clinical testing. Allele origin: germline.
Comment: Not observed at significant frequency in large population cohorts (gnomAD); In silico analysis supports that this missense variant has a deleterious effect on protein structure/function; Has not been previously published as pathogenic or benign to our knowledge